The following is an entry in ClinVar:

NM_014679.5(CEP57):c.1067T>C (p.Ile356Thr)

Gene: CEP57 (centrosomal protein 57; plus strand). Cytogenetic location: 11q21.
Variant type: single nucleotide variant.
Coding change: c.1067T>C on transcript NM_014679.5 (MANE Select); coding-DNA position 1067, T replaced by C.
Protein change: p.Ile356Thr; replaces isoleucine 356 with threonine.
Molecular consequence: missense variant.
Genome position (GRCh38, 1-based): chr11:95,827,967, T>C. VCF-style: chr11-95827967-T-C. GRCh37 (hg19) VCF-style: chr11-95561131-T-C.
Other names: c.1040T>C, p.Ile347Thr (NM_001243776.2); c.989T>C, p.Ile330Thr (NM_001243777.2); c.986T>C, p.Ile329Thr (NM_001363604.2); short protein forms I356T, I347T, I330T, I329T.
Identifiers: ClinVar variation 4000974 (VCV004000974.1).

ClinVar aggregate classification (germline): Uncertain significance (1 of 4 stars; one submission).

Conditions:
Inborn genetic diseases. Identifiers: MedGen C0950123, MeSH D030342.

gnomAD v4.1: 1 of 1,613,960 alleles (0.000062%); no homozygotes.

Submission:

Ambry Genetics
Classification: Uncertain significance for Inborn genetic diseases. Last evaluated: 2025-03-18. Review status: criteria provided, single submitter. Criteria: Ambry Variant Classification Scheme 2023. Collection method: clinical testing. Allele origin: germline.
Comment: The p.I356T variant (also known as c.1067T>C), located in coding exon 9 of the CEP57 gene, results from a T to C substitution at nucleotide position 1067. The isoleucine at codon 356 is replaced by threonine, an amino acid with similar properties. This amino acid position is conserved. In addition, this alteration is predicted to be tolerated by in silico analysis. Based on the available evidence, the clinical significance of this variant remains unclear.